The following is an entry in ClinVar:

NM_016592.5(GNAS):c.138C>A (p.Ala46=)

Genes: GNAS (GNAS complex locus; plus strand), GNAS-AS1 (GNAS antisense RNA 1; minus strand). Cytogenetic location: 20q13.32.
Variant type: single nucleotide variant.
Coding change: c.138C>A on transcript NM_016592.5 (MANE Plus Clinical); coding-DNA position 138, C replaced by A.
Protein change: p.Ala46=; no amino-acid change (alanine 46 retained).
Molecular consequence: synonymous variant. On other transcripts: 5 prime UTR variant (1).
Genome position (GRCh38, 1-based): chr20:58,840,244, C>A. VCF-style: chr20-58840244-C-A. GRCh37 (hg19) VCF-style: chr20-57415299-C-A.
Other names: c.-600C>A (NM_001410912.1).
Identifiers: ClinVar variation 4812891 (VCV004812891.1).

ClinVar aggregate classification (germline): Uncertain significance (1 of 4 stars; one submission).

gnomAD v4.1: 91 of 1,611,156 alleles (0.0056%); highest among the groups gnomAD compares: African/African-American, 0.068%; 1 homozygote.

Submission:

GeneDx
Classification: Uncertain significance. Last evaluated: 2025-08-28. Review status: criteria provided, single submitter. Criteria: GeneDx Variant Classification Process June 2021. Collection method: clinical testing. Allele origin: germline. Affected: yes.
Comment: In silico analysis suggests that this variant does not alter splicing; Has not been previously published as pathogenic or benign to our knowledge; Reported using an alternate transcript of the gene